The following is an entry in ClinVar:

ClinVar aggregate classification (germline): Uncertain significance (1 of 4 stars; one submission).

Submission:

Labcorp Genetics (formerly Invitae), Labcorp
Classification: Uncertain significance. Last evaluated: 2022-06-05. Review status: criteria provided, single submitter. Criteria: Invitae Variant Classification Sherloc (09022015). Collection method: clinical testing. Allele origin: germline.
Comment: This variant has not been reported in the literature in individuals affected with RINT1-related conditions. This variant is a gross deletion of the genomic region encompassing exon(s) 2-3 of the RINT1 gene. This variant would be expected to be in-frame, preserving the integrity of the reading frame. Experimental studies and prediction algorithms are not available or were not evaluated, and the functional significance of this variant is currently unknown. In summary, the available evidence is currently insufficient to determine the role of this variant in disease. Therefore, it has been classified as a Variant of Uncertain Significance.

NC_000007.13:g.(?_105173265)_(105177202_?)del

Gene: RINT1 (RAD50 interactor 1; plus strand). Cytogenetic location: 7q22.3.
Variant type: Deletion.
Identifiers: ClinVar variation 1047659 (VCV001047659.8).